The following is an entry in ClinVar:

NM_006929.5(SKIC2):c.741C>G (p.Cys247Trp)

Gene: SKIC2 (SKI2 subunit of superkiller complex; plus strand). Cytogenetic location: 6p21.33.
Variant type: single nucleotide variant.
Coding change: c.741C>G on transcript NM_006929.5 (MANE Select); coding-DNA position 741, C replaced by G.
Protein change: p.Cys247Trp; replaces cysteine 247 with tryptophan.
Molecular consequence: missense variant.
Genome position (GRCh38, 1-based): chr6:31,961,338, C>G. VCF-style: chr6-31961338-C-G. GRCh37 (hg19) VCF-style: chr6-31929115-C-G.
Other names: p.Cys247Trp; short protein forms C247W.
Identifiers: ClinVar variation 770172 (VCV000770172.13), dbSNP rs149410050, ClinGen allele CA3729242.

ClinVar aggregate classification (germline): Benign. Review status: criteria provided, multiple submitters, no conflicts (2 of 4 stars). 3 submissions from 3 submitters: Benign (3). Last evaluated 2026-02-01.

Conditions:
Trichohepatoenteric syndrome 2 (THES2). Identifiers: Orphanet 84064, MedGen C3281289, MONDO:0013818, OMIM 614602.

Allele frequency attached by ClinVar (database versions not stated): gnomAD exomes 0.00278 and 0.00073; 1000 Genomes Project 30x 0.00422; ESP Exome Variant Server 0.00008; ExAC 0.00261; gnomAD 0.00112 and 0.00093; TOPMed 0.00177; 1000 Genomes Project 0.00399.
gnomAD v4.1: 1,259 of 1,585,320 alleles (0.079%); highest among the groups gnomAD compares: Admixed American, 1.6%; 15 homozygotes.

Submissions (3):

Labcorp Genetics (formerly Invitae), Labcorp
Classification: Benign. Last evaluated: 2026-02-01. Review status: criteria provided, single submitter. Criteria: Invitae Variant Classification Sherloc (09022015). Collection method: clinical testing. Allele origin: germline.

Mayo Clinic Laboratories, Mayo Clinic
Classification: Benign. Last evaluated: 2024-12-23. Review status: criteria provided, single submitter. Criteria: ACMG Guidelines, 2015. Collection method: clinical testing. Allele origin: germline. Observed: 5 variant alleles.
Comment: BS1, BS2, BP4_moderate

Illumina Laboratory Services, Illumina
Classification: Benign for Trichohepatoenteric syndrome 2. Last evaluated: 2018-01-12. Review status: criteria provided, single submitter. Criteria: ICSL Variant Classification Criteria 13 December 2019. Collection method: clinical testing. Allele origin: germline.
Comment: This variant was observed in the ICSL laboratory as part of a predisposition screen in an ostensibly healthy population. It had not been previously curated by ICSL or reported in the Human Gene Mutation Database (HGMD: prior to June 1st, 2018), and was therefore a candidate for classification through an automated scoring system. Utilizing variant allele frequency, disease prevalence and penetrance estimates, and inheritance mode, an automated score was calculated to assess if this variant is too frequent to cause the disease. Based on the score and internal cut-off values, a variant classified as benign is not then subjected to further curation. The score for this variant resulted in a classification of benign for this disease.